The following is an entry in ClinVar:

NM_013382.7(POMT2):c.239C>T (p.Pro80Leu)

Gene: POMT2 (protein O-mannosyltransferase 2; minus strand). Cytogenetic location: 14q24.3.
Variant type: single nucleotide variant.
Coding change: c.239C>T on transcript NM_013382.7 (MANE Select); coding-DNA position 239, C replaced by T.
Protein change: p.Pro80Leu; replaces proline 80 with leucine.
Molecular consequence: missense variant.
Genome position (GRCh38, 1-based): chr14:77,320,443, G>A on the plus strand (C>T on the coding strand, the complement: POMT2 is on the minus strand). VCF-style: chr14-77320443-G-A. GRCh37 (hg19) VCF-style: chr14-77786786-G-A.
Other names: short protein forms P80L.
Identifiers: ClinVar variation 1516692 (VCV001516692.5), dbSNP rs1195398546, ClinGen allele CA390504265.

ClinVar aggregate classification (germline): Uncertain significance (1 of 4 stars; one submission).

Conditions:
Muscular dystrophy-dystroglycanopathy (congenital with impaired intellectual development), type B, 2. Also called: Muscular dystrophy-dystroglycanopathy (congenital with intellectual disability), type B2; MUSCULAR DYSTROPHY, CONGENITAL, POMT2-RELATED. Identifiers: MedGen C3150416, MONDO:0013160, OMIM 613156.
Autosomal recessive limb-girdle muscular dystrophy type 2N. Also called: MUSCULAR DYSTROPHY-DYSTROGLYCANOPATHY, LIMB-GIRDLE, POMT2-RELATED; Muscular dystrophy-dystroglycanopathy (limb-girdle), type C, 2. Identifiers: Orphanet 206559, MedGen C3150418, MONDO:0013162, OMIM 613158.
Muscular dystrophy-dystroglycanopathy (congenital with brain and eye anomalies), type A2. Also called: MUSCULAR DYSTROPHY-DYSTROGLYCANOPATHY (CONGENITAL WITH BRAIN AND EYE ANOMALIES), TYPE A, 2; WALKER-WARBURG SYNDROME OR MUSCLE-EYE-BRAIN DISEASE, POMT2-RELATED. Identifiers: Orphanet 588, Orphanet 899, MedGen C3150411, MONDO:0013154, OMIM 613150.

gnomAD v4.1: 2 of 1,546,466 alleles (0.00013%); highest among the groups gnomAD compares: Non-Finnish European, 0.00017%; no homozygotes.

Submission:

Labcorp Genetics (formerly Invitae), Labcorp
Classification: Uncertain significance for Muscular dystrophy-dystroglycanopathy (congenital with impaired intellectual development), type B, 2; Muscular dystrophy-dystroglycanopathy (congenital with brain and eye anomalies), type A2; Autosomal recessive limb-girdle muscular dystrophy type 2N. Last evaluated: 2022-08-15. Review status: criteria provided, single submitter. Criteria: Invitae Variant Classification Sherloc (09022015). Collection method: clinical testing. Allele origin: germline.
Comment: This sequence change replaces proline, which is neutral and non-polar, with leucine, which is neutral and non-polar, at codon 80 of the POMT2 protein (p.Pro80Leu). The frequency data for this variant in the population databases is considered unreliable, as metrics indicate poor data quality at this position in the gnomAD database. This variant has not been reported in the literature in individuals affected with POMT2-related conditions. ClinVar contains an entry for this variant (Variation ID: 1516692). Algorithms developed to predict the effect of missense changes on protein structure and function (SIFT, PolyPhen-2, Align-GVGD) all suggest that this variant is likely to be tolerated. In summary, the available evidence is currently insufficient to determine the role of this variant in disease. Therefore, it has been classified as a Variant of Uncertain Significance.